The following is an entry in ClinVar:

NM_000051.4(ATM):c.3993+2T>C

Gene: ATM (ATM serine/threonine kinase; plus strand). Cytogenetic location: 11q22.3.
Variant type: single nucleotide variant.
Coding change: c.3993+2T>C on transcript NM_000051.4 (MANE Select); the canonical splice donor site of the intron after coding-DNA position 3993, T replaced by C.
Molecular consequence: splice donor variant.
Genome position (GRCh38, 1-based): chr11:108,284,475, T>C. VCF-style: chr11-108284475-T-C. GRCh37 (hg19) VCF-style: chr11-108155202-T-C.
Other names: c.3993+2T>C (NM_001351834.2).
Identifiers: ClinVar variation 1066594 (VCV001066594.27), dbSNP rs2135710273, ClinGen allele CA382526313.
Genomic context (GRCh38, chr11:108,284,475, plus strand): 5'-GAGAGACTGCTACCAAGGTCTATGATATGCTTAAAAGTGAAAACTTATTGGGAAAACAGG[T>C]ATGGCTTCAATTTTTATGTACTTTTCATTCCCTGAATGATATGAGATATAACCTTTAAGT-3'

ClinVar aggregate classification (germline): Conflicting classifications of pathogenicity. Review status: criteria provided, conflicting classifications (1 of 4 stars). 5 submissions from 5 submitters: Pathogenic (1); Likely pathogenic (2); Uncertain significance (1). 1 of the submissions does not count toward it. Last evaluated 2024-05-01.

Conditions:
Familial cancer of breast. Also called: hereditary breast carcinoma; BREAST CANCER, FAMILIAL; Hereditary breast cancer. Identifiers: Orphanet 227535, MedGen C0346153, MONDO:0016419, OMIM 114480. Disease mechanism: loss of function.
Gastric cancer. Also called: Malignant tumor of stomach; Stomach cancer. Identifiers: MedGen C0024623, MeSH D013274, MONDO:0001056, OMIM 613659, HP:0012126.
Hereditary cancer-predisposing syndrome. Also called: Tumor predisposition; Neoplastic Syndromes, Hereditary; Hereditary neoplastic syndrome; Hereditary Cancer Syndrome. Identifiers: Orphanet 140162, MedGen C0027672, MeSH D009386, MONDO:0015356.
Ataxia-telangiectasia syndrome (AT). Also called: LOUIS-BAR SYNDROME; Cerebello-oculocutaneous telangiectasia; Immunodeficiency with ataxia telangiectasia; Ataxia telangiectasia (A-T); Ataxia-telangiectasia, complementation group D; AT, COMPLEMENTATION GROUP C. Identifiers: Orphanet 100, MedGen C0004135, MONDO:0008840, OMIM 208900.

Allele frequency attached by ClinVar (database versions not stated): gnomAD exomes below 0.00001.
gnomAD v4.1: 2 of 1,613,814 alleles (0.00012%); highest among the groups gnomAD compares: East Asian, 0.0022%; no homozygotes.

Submissions (5):

Fulgent Genetics
Classification: Likely pathogenic for Familial cancer of breast; Ataxia-telangiectasia syndrome. Last evaluated: 2024-05-01. Review status: criteria provided, single submitter. Criteria: ACMG Guidelines, 2015. Collection method: clinical testing. Allele origin: germline.

Myriad Genetics, Inc.
Classification: Likely pathogenic for Familial cancer of breast. Last evaluated: 2024-01-23. Review status: criteria provided, single submitter. Criteria: Myriad Autosomal Dominant, Autosomal Recessive and X-Linked Classification Criteria (2023). Collection method: clinical testing. Allele origin: unknown.
Comment: This variant is considered likely pathogenic. This variant occurs within a consensus splice junction and is predicted to result in abnormal mRNA splicing of either an out-of-frame exon or an in-frame exon necessary for protein stability and/or normal function.

Ambry Genetics
Classification: Uncertain significance for Hereditary cancer-predisposing syndrome. Last evaluated: 2022-12-14. Review status: criteria provided, single submitter. Criteria: Ambry Variant Classification Scheme 2023. Collection method: clinical testing. Allele origin: germline.
Comment: The c.3993+2T>C intronic variant results from a T to C substitution two nucleotides after coding exon 25 of the ATM gene. This variant was present in 0/1005 Japanese pancreatic cancer patients and in 2/23705 controls (Mizukami K et al. EBioMedicine, 2020 Oct;60:103033). This alteration was also observed with an allele frequency of 0.00014 in 7,051 unselected female breast cancer patients and was not observed in 11,241 female controls of Japanese ancestry. In addition, it was not observed in unselected male breast cancer patients and was observed with an allele frequency of 0.0002 in 12,490 male controls of Japanese ancestry (Momozawa Y et al. Nat Commun, 2018 Oct;9:4083). This nucleotide position is highly conserved in available vertebrate species. Alterations that disrupt the canonical splice site are expected to result in aberrant splicing. In silico splice site analysis predicts that this alteration will weaken the native splice donor site and may result in the creation or strengthening of a novel splice donor site. The resulting transcript is predicted to be in-frame and is not expected to trigger nonsense-mediated mRNAdecay; however, direct evidence is unavailable. The exact functional effect of the altered amino acid sequence is unknown. In addition, +2T>C alterations are capable of generating wild-type transcripts in some genomic contexts and should be interpreted with caution (Lin JH et al. Hum Mutat. 2019 10;40:1856-1873). Since supporting evidence is limited at this time, the clinical significance of this alteration remains unclear.

Labcorp Genetics (formerly Invitae), Labcorp
Classification: Pathogenic for Ataxia-telangiectasia syndrome. Last evaluated: 2022-10-28. Review status: criteria provided, single submitter. Criteria: Invitae Variant Classification Sherloc (09022015). Collection method: clinical testing. Allele origin: germline.
Comment: For these reasons, this variant has been classified as Pathogenic. Algorithms developed to predict the effect of sequence changes on RNA splicing suggest that this variant may disrupt the consensus splice site. ClinVar contains an entry for this variant (Variation ID: 1066594). Disruption of this splice site has been observed in individual(s) with ataxia-telangiectasia and/or breast cancer (PMID: 10980530, 12815592, 30287823). In at least one individual the data is consistent with being in trans (on the opposite chromosome) from a pathogenic variant. This variant is not present in population databases (gnomAD no frequency). This sequence change affects a donor splice site in intron 26 of the ATM gene. It is expected to disrupt RNA splicing. Variants that disrupt the donor or acceptor splice site typically lead to a loss of protein function (PMID: 16199547), and loss-of-function variants in ATM are known to be pathogenic (PMID: 23807571, 25614872).

Laboratory for Genotyping Development, RIKEN
Classification: Pathogenic for Gastric cancer. Last evaluated: 2021-07-01. Review status: no assertion criteria provided. Collection method: research. Allele origin: germline. Not counted in ClinVar's aggregate classification.

Literature cited by the submitters: PubMed 30287823 (cited by Ambry Genetics and Labcorp Genetics (formerly Invitae), Labcorp); PubMed 32980694 (cited by Ambry Genetics); PubMed 10980530 (cited by Labcorp Genetics (formerly Invitae), Labcorp); PubMed 12815592 (cited by Labcorp Genetics (formerly Invitae), Labcorp); PubMed 16199547 (cited by Labcorp Genetics (formerly Invitae), Labcorp); PubMed 23807571 (cited by Labcorp Genetics (formerly Invitae), Labcorp); PubMed 25614872 (cited by Labcorp Genetics (formerly Invitae), Labcorp); PubMed 36988593 (cited by Laboratory for Genotyping Development, RIKEN).